The following is an entry in ClinVar:

ClinVar aggregate classification (germline): Uncertain significance. Review status: criteria provided, multiple submitters, no conflicts (2 of 4 stars). 2 submissions from 2 submitters: Uncertain significance (2). Last evaluated 2026-04-23.

Conditions:
Hereditary cancer-predisposing syndrome. Also called: Tumor predisposition; Hereditary neoplastic syndrome; Neoplastic Syndromes, Hereditary; Hereditary Cancer Syndrome. Identifiers: Orphanet 140162, MedGen C0027672, MeSH D009386, MONDO:0015356.
Ataxia-telangiectasia syndrome (AT). Also called: Ataxia-telangiectasia, complementation group E; Ataxia-telangiectasia, complementation group D; LOUIS-BAR SYNDROME; AT, COMPLEMENTATION GROUP C; Cerebello-oculocutaneous telangiectasia; Immunodeficiency with ataxia telangiectasia. Identifiers: Orphanet 100, MedGen C0004135, MONDO:0008840, OMIM 208900.

Submissions (2):

Ambry Genetics
Classification: Uncertain significance for Hereditary cancer-predisposing syndrome. Last evaluated: 2026-04-23. Review status: criteria provided, single submitter. Criteria: Ambry Variant Classification Scheme 2023. Collection method: clinical testing. Allele origin: germline.
Comment: The p.A1670S variant (also known as c.5008G>T), located in coding exon 33 of the ATM gene, results from a G to T substitution at nucleotide position 5008. The alanine at codon 1670 is replaced by serine, an amino acid with similar properties. In an assay testing ATM function, this variant showed a functionally normal result (Lee KS et al. Cell, 2025 Sep;188:5081-5099.e27). This amino acid position is highly conserved in available vertebrate species. In addition, the in silico prediction for this alteration is inconclusive. Based on the available evidence, the clinical significance of this variant remains unclear.

Labcorp Genetics (formerly Invitae), Labcorp
Classification: Uncertain significance for Ataxia-telangiectasia syndrome. Last evaluated: 2023-01-14. Review status: criteria provided, single submitter. Criteria: Invitae Variant Classification Sherloc (09022015). Collection method: clinical testing. Allele origin: germline.
Comment: This sequence change replaces alanine, which is neutral and non-polar, with serine, which is neutral and polar, at codon 1670 of the ATM protein (p.Ala1670Ser). In summary, the available evidence is currently insufficient to determine the role of this variant in disease. Therefore, it has been classified as a Variant of Uncertain Significance. Algorithms developed to predict the effect of missense changes on protein structure and function are either unavailable or do not agree on the potential impact of this missense change (SIFT: "Tolerated"; PolyPhen-2: "Probably Damaging"; Align-GVGD: "Class C0"). This variant has not been reported in the literature in individuals affected with ATM-related conditions. This variant is not present in population databases (gnomAD no frequency).

Literature cited by the submitters: PubMed 40580951 (cited by Ambry Genetics).

NM_000051.4(ATM):c.5008G>T (p.Ala1670Ser)

Gene: ATM (ATM serine/threonine kinase; plus strand). Cytogenetic location: 11q22.3.
Variant type: single nucleotide variant.
Coding change: c.5008G>T on transcript NM_000051.4 (MANE Select); coding-DNA position 5008, G replaced by T.
Protein change: p.Ala1670Ser; replaces alanine 1670 with serine.
Molecular consequence: missense variant.
Genome position (GRCh38, 1-based): chr11:108,299,716, G>T. VCF-style: chr11-108299716-G-T. GRCh37 (hg19) VCF-style: chr11-108170443-G-T.
Other names: c.5008G>T, p.Ala1670Ser (NM_001351834.2); short protein forms A1670S.
Identifiers: ClinVar variation 2828524 (VCV002828524.4), dbSNP rs2135887819, ClinGen allele CA382540004.